The following is an entry in ClinVar:

NM_001385012.1(NBEA):c.8513T>C (p.Leu2838Pro)

Gene: NBEA (neurobeachin; plus strand). Cytogenetic location: 13q13.3.
Variant type: single nucleotide variant.
Coding change: c.8513T>C on transcript NM_001385012.1 (MANE Select); coding-DNA position 8513, T replaced by C.
Protein change: p.Leu2838Pro; replaces leucine 2838 with proline.
Molecular consequence: missense variant.
Genome position (GRCh38, 1-based): chr13:35,667,422, T>C. VCF-style: chr13-35667422-T-C. GRCh37 (hg19) VCF-style: chr13-36241559-T-C.
Other names: c.1829T>C, p.Leu610Pro (NM_001204197.3); c.8504T>C, p.Leu2835Pro (NM_001379245.1); c.8450T>C, p.Leu2817Pro (NM_015678.5); short protein forms L2817P, L2835P, L2838P, L610P.
Identifiers: ClinVar variation 1327750 (VCV001327750.2), dbSNP rs2153088151, ClinGen allele CA387842725.

ClinVar aggregate classification (germline): Uncertain significance (1 of 4 stars; one submission).

Submission:

GeneDx
Classification: Uncertain significance. Last evaluated: 2021-05-27. Review status: criteria provided, single submitter. Criteria: GeneDx Variant Classification Process June 2021. Collection method: clinical testing. Allele origin: germline. Affected: yes.
Comment: Not observed at significant frequency in large population cohorts (Lek et al., 2016); In silico analysis supports that this missense variant has a deleterious effect on protein structure/function; Has not been previously published as pathogenic or benign to our knowledge